The following is an entry in ClinVar:

NM_001252024.2(TRPM1):c.298G>A (p.Asp100Asn)

Gene: TRPM1 (transient receptor potential cation channel subfamily M member 1; minus strand). Cytogenetic location: 15q13.3.
Variant type: single nucleotide variant.
Coding change: c.298G>A on transcript NM_001252024.2 (MANE Select); coding-DNA position 298, G replaced by A.
Protein change: p.Asp100Asn; replaces aspartic acid 100 with asparagine.
Molecular consequence: missense variant.
Genome position (GRCh38, 1-based): chr15:31,068,074, C>T on the plus strand (G>A on the coding strand, the complement: TRPM1 is on the minus strand). VCF-style: chr15-31068074-C-T. GRCh37 (hg19) VCF-style: chr15-31360277-C-T.
Other names: c.349G>A, p.Asp117Asn (NM_001252020.2); c.232G>A, p.Asp78Asn (NM_002420.6); short protein forms D100N, D117N, D78N.
Identifiers: ClinVar variation 2874510 (VCV002874510.3), dbSNP rs1351214852, ClinGen allele CA391535373.

ClinVar aggregate classification (germline): Uncertain significance (1 of 4 stars; one submission).

Allele frequency attached by ClinVar (database versions not stated): gnomAD exomes below 0.00001; TOPMed 0.00001.
gnomAD v4.1: 2 of 1,614,136 alleles (0.00012%); highest among the groups gnomAD compares: Non-Finnish European, 0.000085%; no homozygotes.

Submission:

Labcorp Genetics (formerly Invitae), Labcorp
Classification: Uncertain significance. Last evaluated: 2024-10-29. Review status: criteria provided, single submitter. Criteria: Invitae Variant Classification Sherloc (09022015). Collection method: clinical testing. Allele origin: germline.
Comment: This sequence change replaces aspartic acid, which is acidic and polar, with asparagine, which is neutral and polar, at codon 78 of the TRPM1 protein (p.Asp78Asn). This variant is not present in population databases (gnomAD no frequency). This variant has not been reported in the literature in individuals affected with TRPM1-related conditions. Invitae Evidence Modeling of protein sequence and biophysical properties (such as structural, functional, and spatial information, amino acid conservation, physicochemical variation, residue mobility, and thermodynamic stability) indicates that this missense variant is not expected to disrupt TRPM1 protein function with a negative predictive value of 95%. In summary, the available evidence is currently insufficient to determine the role of this variant in disease. Therefore, it has been classified as a Variant of Uncertain Significance.